The following is an entry in ClinVar:

NM_031935.3(HMCN1):c.6751G>A (p.Gly2251Ser)

Gene: HMCN1 (hemicentin 1; plus strand). Cytogenetic location: 1q31.1.
Variant type: single nucleotide variant.
Coding change: c.6751G>A on transcript NM_031935.3 (MANE Select); coding-DNA position 6751, G replaced by A.
Protein change: p.Gly2251Ser; replaces glycine 2251 with serine.
Molecular consequence: missense variant.
Genome position (GRCh38, 1-based): chr1:186,053,875, G>A. VCF-style: chr1-186053875-G-A. GRCh37 (hg19) VCF-style: chr1-186023007-G-A.
Other names: short protein forms G2251S.
Identifiers: ClinVar variation 1929862 (VCV001929862.5), dbSNP rs758599839, ClinGen allele CA1292660.
Genomic context (GRCh38, chr1:186,053,875, plus strand): 5'-TTCTTTGTAGGCTCTCCAGTGCTGACTGATTCCATGGGGCGAGTTAGAATTTTATCTGGG[G>A]GCAGGCAATTACAAATTTCAATTGCTGAAAAGTCTGATGCAGCACTCTATTCATGTGTGG-3'
Protein context (NP_114141.2, residues 2241-2261): SMGRVRILSG[Gly2251Ser]RQLQISIAEK

ClinVar aggregate classification (germline): Uncertain significance (1 of 4 stars; one submission).

Allele frequency attached by ClinVar (database versions not stated): ExAC 0.00001.
gnomAD v4.1: 22 of 1,612,672 alleles (0.0014%); highest among the groups gnomAD compares: East Asian, 0.049%; no homozygotes.

Submission:

Labcorp Genetics (formerly Invitae), Labcorp
Classification: Uncertain significance. Last evaluated: 2022-08-08. Review status: criteria provided, single submitter. Criteria: Invitae Variant Classification Sherloc (09022015). Collection method: clinical testing. Allele origin: germline.
Comment: In summary, the available evidence is currently insufficient to determine the role of this variant in disease. Therefore, it has been classified as a Variant of Uncertain Significance. Algorithms developed to predict the effect of missense changes on protein structure and function (SIFT, PolyPhen-2, Align-GVGD) all suggest that this variant is likely to be disruptive. This variant has not been reported in the literature in individuals affected with HMCN1-related conditions. This variant is present in population databases (rs758599839, gnomAD 0.006%). This sequence change replaces glycine, which is neutral and non-polar, with serine, which is neutral and polar, at codon 2251 of the HMCN1 protein (p.Gly2251Ser).